The following is an entry in ClinVar:

NM_006086.4(TUBB3):c.58-49C>T

Gene: TUBB3 (tubulin beta 3 class III; plus strand). Cytogenetic location: 16q24.3.
Variant type: single nucleotide variant.
Coding change: c.58-49C>T on transcript NM_006086.4 (MANE Select); 49 bases into the intron before coding-DNA position 58, C replaced by T.
Molecular consequence: intron variant.
Genome position (GRCh38, 1-based): chr16:89,932,522, C>T. VCF-style: chr16-89932522-C-T. GRCh37 (hg19) VCF-style: chr16-89998930-C-T.
Other names: c.-159-49C>T (NM_001197181.2).
Identifiers: ClinVar variation 160193 (VCV000160193.9), dbSNP rs28593634, ClinGen allele CA173795.

ClinVar aggregate classification (germline): Benign. Review status: criteria provided, multiple submitters, no conflicts (2 of 4 stars). 3 submissions from 3 submitters: Benign (2). 1 of the submissions does not count toward it. Last evaluated 2018-06-26.

Allele frequency attached by ClinVar (database versions not stated): gnomAD 0.18590 and 0.19243; gnomAD exomes 0.09781 and 0.07768; ExAC 0.10647; ESP Exome Variant Server 0.20023; 1000 Genomes Project 30x 0.20800; 1000 Genomes Project 0.20068; TOPMed 0.20267.
gnomAD v4.1: 135,409 of 1,513,978 alleles (8.9%); highest among the groups gnomAD compares: African/African-American, 48%; 13,091 homozygotes.

Submissions (3):

GeneDx
Classification: Benign. Last evaluated: 2018-06-26. Review status: criteria provided, single submitter. Criteria: GeneDx Variant Classification Process June 2021. Collection method: clinical testing. Allele origin: germline. Affected: yes.

Breakthrough Genomics
Classification: Benign. Review status: criteria provided, single submitter. Criteria: ACMG Guidelines, 2015. Collection method: not provided. Allele origin: germline. Inheritance: Autosomal dominant inheritance. Affected: yes.

Genetic Services Laboratory, University of Chicago
Classification: Likely benign. Review status: no assertion criteria provided. Collection method: clinical testing. Allele origin: germline. Inheritance: Autosomal dominant inheritance. Not counted in ClinVar's aggregate classification.
Comment: Likely benign based on allele frequency in 1000 Genomes Project or ESP global frequency and its presence in a patient with a rare or unrelated disease phenotype. NOT Sanger confirmed